The following is an entry in ClinVar:

ClinVar aggregate classification (germline): Uncertain significance. Review status: criteria provided, multiple submitters, no conflicts (2 of 4 stars). 2 submissions from 2 submitters: Uncertain significance (2). Last evaluated 2025-04-06.

Conditions:
Hereditary cancer-predisposing syndrome. Also called: Neoplastic Syndromes, Hereditary; Tumor predisposition; Hereditary neoplastic syndrome; Hereditary Cancer Syndrome. Identifiers: Orphanet 140162, MedGen C0027672, MeSH D009386, MONDO:0015356.

Submissions (2):

Ambry Genetics
Classification: Uncertain significance for Hereditary cancer-predisposing syndrome. Last evaluated: 2025-04-06. Review status: criteria provided, single submitter. Criteria: Ambry Variant Classification Scheme 2023. Collection method: clinical testing. Allele origin: germline.
Comment: The p.L2284M variant (also known as c.6850C>A), located in coding exon 49 of the POLE gene, results from a C to A substitution at nucleotide position 6850. The leucine at codon 2284 is replaced by methionine, an amino acid with highly similar properties. This amino acid position is conserved. In addition, this alteration is predicted to be tolerated by in silico analysis. Based on the available evidence, the clinical significance of this variant remains unclear.

Labcorp Genetics (formerly Invitae), Labcorp
Classification: Uncertain significance. Last evaluated: 2024-06-21. Review status: criteria provided, single submitter. Criteria: Invitae Variant Classification Sherloc (09022015). Collection method: clinical testing. Allele origin: germline.
Comment: This sequence change replaces leucine, which is neutral and non-polar, with methionine, which is neutral and non-polar, at codon 2284 of the POLE protein (p.Leu2284Met). This variant is not present in population databases (gnomAD no frequency). This variant has not been reported in the literature in individuals affected with POLE-related conditions. ClinVar contains an entry for this variant (Variation ID: 579941). An algorithm developed to predict the effect of missense changes on protein structure and function (PolyPhen-2) suggests that this variant is likely to be tolerated. In summary, the available evidence is currently insufficient to determine the role of this variant in disease. Therefore, it has been classified as a Variant of Uncertain Significance.

NM_006231.4(POLE):c.6850C>A (p.Leu2284Met)

Gene: POLE (DNA polymerase epsilon, catalytic subunit; minus strand). Cytogenetic location: 12q24.33.
Variant type: single nucleotide variant.
Coding change: c.6850C>A on transcript NM_006231.4 (MANE Select); coding-DNA position 6850, C replaced by A.
Protein change: p.Leu2284Met; replaces leucine 2284 with methionine.
Molecular consequence: missense variant.
Genome position (GRCh38, 1-based): chr12:132,624,708, G>T on the plus strand (C>A on the coding strand, the complement: POLE is on the minus strand). VCF-style: chr12-132624708-G-T. GRCh37 (hg19) VCF-style: chr12-133201294-G-T.
Other names: c.6850C>A (NM_006231.2); short protein forms L2284M.
Identifiers: ClinVar variation 579941 (VCV000579941.9), dbSNP rs1566306728, ClinGen allele CA387365572.